The following is an entry in ClinVar:

NM_001395414.1(MUC22):c.1609G>A (p.Ala537Thr)

Gene: MUC22 (mucin 22; plus strand). Cytogenetic location: 6p21.33.
Variant type: single nucleotide variant.
Coding change: c.1609G>A on transcript NM_001395414.1 (MANE Select); coding-DNA position 1609, G replaced by A.
Protein change: p.Ala537Thr; replaces alanine 537 with threonine.
Molecular consequence: missense variant.
Genome position (GRCh38, 1-based): chr6:31,027,040, G>A. VCF-style: chr6-31027040-G-A. GRCh37 (hg19) VCF-style: chr6-30994817-G-A.
Other names: c.1609G>A, p.Ala537Thr (NM_001198815.1); c.1618G>A, p.Ala540Thr (NM_001318484.1, NM_001322469.1); short protein forms A537T, A540T.
Identifiers: ClinVar variation 2656384 (VCV002656384.24), dbSNP rs868419299, ClinGen allele CA136770676.

ClinVar aggregate classification (germline): Likely benign (1 of 4 stars; one submission).

Allele frequency attached by ClinVar (database versions not stated): gnomAD 0.00006; gnomAD exomes 0.00010.
gnomAD v4.1: 145 of 1,497,960 alleles (0.0097%); highest among the groups gnomAD compares: East Asian, 0.032%; 14 homozygotes.

Submission:

CeGaT Center for Human Genetics Tuebingen
Classification: Likely benign. Last evaluated: 2022-11-01. Review status: criteria provided, single submitter. Criteria: CeGaT Center For Human Genetics Tuebingen Variant Classification Criteria Version 2. Collection method: clinical testing. Allele origin: germline. Affected: yes. Observed: 1 variant allele.
Comment: MUC22: BP4, BS2